The following is an entry in ClinVar:

NM_000455.5(STK11):c.196G>A (p.Val66Met)

Gene: STK11 (serine/threonine kinase 11; plus strand). Cytogenetic location: 19p13.3.
Variant type: single nucleotide variant.
Coding change: c.196G>A on transcript NM_000455.5 (MANE Select); coding-DNA position 196, G replaced by A.
Protein change: p.Val66Met; replaces valine 66 with methionine.
Molecular consequence: missense variant.
Genome position (GRCh38, 1-based): chr19:1,207,109, G>A. VCF-style: chr19-1207109-G-A. GRCh37 (hg19) VCF-style: chr19-1207108-G-A.
Other names: short protein forms V66M.
Identifiers: ClinVar variation 638819 (VCV000638819.13), dbSNP rs1599915144, ClinGen allele CA402944278.

ClinVar aggregate classification (germline): Uncertain significance. Review status: criteria provided, multiple submitters, no conflicts (2 of 4 stars). 3 submissions from 3 submitters: Uncertain significance (3). Last evaluated 2025-02-11.

Conditions:
Peutz-Jeghers syndrome (PJS). Also called: Peutz-Jeghers polyposis; Periorificial lentiginosis syndrome; POLYPOSIS, HAMARTOMATOUS INTESTINAL; POLYPS-AND-SPOTS SYNDROME. Identifiers: Orphanet 2869, MedGen C0031269, MeSH D010580, MONDO:0008280, OMIM 175200.
Hereditary cancer-predisposing syndrome. Also called: Hereditary Cancer Syndrome; Neoplastic Syndromes, Hereditary; Tumor predisposition; Hereditary neoplastic syndrome. Identifiers: Orphanet 140162, MedGen C0027672, MeSH D009386, MONDO:0015356.

Allele frequency attached by ClinVar (database versions not stated): gnomAD exomes below 0.00001.
gnomAD v4.1: 1 of 1,613,952 alleles (0.000062%); highest among the groups gnomAD compares: Non-Finnish European, 0.000085%; no homozygotes.

Submissions (3):

Labcorp Genetics (formerly Invitae), Labcorp
Classification: Uncertain significance for Peutz-Jeghers syndrome. Last evaluated: 2025-02-11. Review status: criteria provided, single submitter. Criteria: Invitae Variant Classification Sherloc (09022015). Collection method: clinical testing. Allele origin: germline.
Comment: This sequence change replaces valine, which is neutral and non-polar, with methionine, which is neutral and non-polar, at codon 66 of the STK11 protein (p.Val66Met). This variant is not present in population databases (gnomAD no frequency). This variant has not been reported in the literature in individuals affected with STK11-related conditions. ClinVar contains an entry for this variant (Variation ID: 638819). An algorithm developed to predict the effect of missense changes on protein structure and function outputs the following: PolyPhen-2: "Benign". The methionine amino acid residue is found in multiple mammalian species, which suggests that this missense change does not adversely affect protein function. In summary, the available evidence is currently insufficient to determine the role of this variant in disease. Therefore, it has been classified as a Variant of Uncertain Significance.

Genome-Nilou Lab
Classification: Uncertain significance for Peutz-Jeghers syndrome. Last evaluated: 2021-07-15. Review status: criteria provided, single submitter. Criteria: ACMG Guidelines, 2015. Collection method: clinical testing. Allele origin: germline. Affected: no.

Color Diagnostics, LLC DBA Color Health
Classification: Uncertain significance for Hereditary cancer-predisposing syndrome. Last evaluated: 2020-12-21. Review status: criteria provided, single submitter. Criteria: ACMG Guidelines, 2015. Collection method: clinical testing. Allele origin: germline.
Comment: This missense variant replaces valine with methionine at codon 66 of the STK11 protein. Computational prediction suggests that this variant may not impact protein structure and function (internally defined REVEL score threshold <= 0.5, PMID: 27666373). To our knowledge, functional studies have not been reported for this variant. This variant has not been reported in individuals affected with hereditary cancer in the literature. This variant has not been identified in the general population by the Genome Aggregation Database (gnomAD). The available evidence is insufficient to determine the role of this variant in disease conclusively. Therefore, this variant is classified as a Variant of Uncertain Significance.